The following is an entry in ClinVar:

NM_006648.4(WNK2):c.5347G>A (p.Asp1783Asn)

Gene: WNK2 (WNK lysine deficient protein kinase 2; plus strand). Cytogenetic location: 9q22.31.
Variant type: single nucleotide variant.
Coding change: c.5347G>A on transcript NM_006648.4 (MANE Select); coding-DNA position 5347, G replaced by A.
Protein change: p.Asp1783Asn; replaces aspartic acid 1783 with asparagine.
Molecular consequence: missense variant.
Genome position (GRCh38, 1-based): chr9:93,292,812, G>A. VCF-style: chr9-93292812-G-A. GRCh37 (hg19) VCF-style: chr9-96055094-G-A.
Other names: c.5458G>A, p.Asp1820Asn (NM_001282394.3); short protein forms D1820N, D1783N.
Identifiers: ClinVar variation 2398398 (VCV002398398.3), dbSNP rs534820585, ClinGen allele CA196417466.

ClinVar aggregate classification (germline): Uncertain significance (1 of 4 stars; one submission).

Allele frequency attached by ClinVar (database versions not stated): gnomAD 0.00008; TOPMed 0.00008; 1000 Genomes Project 30x 0.00016; 1000 Genomes Project 0.00020.
gnomAD v4.1: 30 of 1,534,774 alleles (0.002%); highest among the groups gnomAD compares: African/African-American, 0.029%; no homozygotes.

Submission:

Ambry Genetics
Classification: Uncertain significance. Last evaluated: 2024-11-25. Review status: criteria provided, single submitter. Criteria: Ambry Variant Classification Scheme 2023. Collection method: clinical testing. Allele origin: germline.
Comment: The p.D1783N variant (also known as c.5347G>A), located in coding exon 22 of the WNK2 gene, results from a G to A substitution at nucleotide position 5347. The aspartic acid at codon 1783 is replaced by asparagine, an amino acid with highly similar properties. This amino acid position is conserved. In addition, this alteration is predicted to be tolerated by in silico analysis. Based on the available evidence, the clinical significance of this variant remains unclear.